The following is an entry in ClinVar:

ClinVar aggregate classification (germline): Uncertain significance (1 of 4 stars; one submission).

Conditions:
Meckel-Gruber syndrome. Also called: GRUBER SYNDROME; DYSENCEPHALIA SPLANCHNOCYSTICA; Dysencephalia splachnocystica. Identifiers: Orphanet 564, MedGen C0265215, MONDO:0018921.
Joubert syndrome. Also called: Familial aplasia of the vermis; JOUBERT-BOLTSHAUSER SYNDROME; CEREBELLOPARENCHYMAL DISORDER IV. Identifiers: Orphanet 475, MedGen C5979921, MONDO:0018772.
Nephronophthisis. Also called: Juvenile Nephronophthisis. Identifiers: Orphanet 655, MedGen C0687120, MONDO:0019005, HP:0000090.

Submission:

Labcorp Genetics (formerly Invitae), Labcorp
Classification: Uncertain significance for Joubert syndrome; Meckel-Gruber syndrome; Nephronophthisis. Last evaluated: 2025-02-27. Review status: criteria provided, single submitter. Criteria: Invitae Variant Classification Sherloc (09022015). Collection method: clinical testing. Allele origin: germline.
Comment: This sequence change affects codon 355 of the CEP290 mRNA. It is a 'silent' change, meaning that it does not change the encoded amino acid sequence of the CEP290 protein. This variant also falls at the last nucleotide of exon 12, which is part of the consensus splice site for this exon. This variant is not present in population databases (gnomAD no frequency). This variant has not been reported in the literature in individuals affected with CEP290-related conditions. Variants that disrupt the consensus splice site are a relatively common cause of aberrant splicing (PMID: 17576681, 9536098). Algorithms developed to predict the effect of sequence changes on RNA splicing suggest that this variant may disrupt the consensus splice site. In summary, the available evidence is currently insufficient to determine the role of this variant in disease. Therefore, it has been classified as a Variant of Uncertain Significance.

Literature cited by the submitters: PubMed 17576681; PubMed 9536098.

NM_025114.4(CEP290):c.1065G>A (p.Gln355=)

Gene: CEP290 (centrosomal protein 290; minus strand). Cytogenetic location: 12q21.32.
Variant type: single nucleotide variant.
Coding change: c.1065G>A on transcript NM_025114.4 (MANE Select); coding-DNA position 1065, G replaced by A.
Protein change: p.Gln355=; no amino-acid change (glutamine 355 retained).
Molecular consequence: synonymous variant.
Genome position (GRCh38, 1-based): chr12:88,126,316, C>T on the plus strand (G>A on the coding strand, the complement: CEP290 is on the minus strand). VCF-style: chr12-88126316-C-T. GRCh37 (hg19) VCF-style: chr12-88520093-C-T.
Identifiers: ClinVar variation 4793027 (VCV004793027.1).